The following is an entry in ClinVar:

ClinVar aggregate classification (germline): Likely benign. Review status: criteria provided, multiple submitters, no conflicts (2 of 4 stars). 3 submissions from 3 submitters: Likely benign (3). Last evaluated 2025-03-25.

Conditions:
Malignant hyperthermia, susceptibility to, 5 (MHS5). Also called: CACNA1S-Related Malignant Hyperthermia Susceptibility. Identifiers: Orphanet 423, MedGen C1866077, MONDO:0011163, OMIM 601887.
Hypokalemic periodic paralysis, type 1. Also called: HypoPP; Hypokalemic Periodic Paralysis Type 1 (AD). Identifiers: Orphanet 681, MedGen C3714580, MONDO:0042979, OMIM 170400.

Allele frequency attached by ClinVar (database versions not stated): gnomAD 0.00001.
gnomAD v4.1: 1 of 1,613,974 alleles (0.000062%); highest among the groups gnomAD compares: African/African-American, 0.0013%; no homozygotes.

Submissions (3):

Labcorp Genetics (formerly Invitae), Labcorp
Classification: Likely benign for Hypokalemic periodic paralysis, type 1; Malignant hyperthermia, susceptibility to, 5. Last evaluated: 2025-03-25. Review status: criteria provided, single submitter. Criteria: Invitae Variant Classification Sherloc (09022015). Collection method: clinical testing. Allele origin: germline.

All of Us Research Program, National Institutes of Health
Classification: Likely benign for Malignant hyperthermia, susceptibility to, 5. Last evaluated: 2023-08-15. Review status: criteria provided, single submitter. Criteria: ACMG Guidelines, 2015. Collection method: clinical testing. Allele origin: germline. Inheritance: Autosomal dominant inheritance. Observed: 1 variant allele, 1 heterozygote.
Comment: This study involves interpretation of variants in research participants for the purpose of population health screening. Participant phenotype was not available at the time of variant classification. Additional details can be found in publication PMID: 35346344, PMCID: PMC8962531

Color Diagnostics, LLC DBA Color Health
Classification: Likely benign for Malignant hyperthermia, susceptibility to, 5. Last evaluated: 2023-06-16. Review status: criteria provided, single submitter. Criteria: ACMG Guidelines, 2015. Collection method: clinical testing. Allele origin: germline.

NM_000069.3(CACNA1S):c.3256-14T>C

Gene: CACNA1S (calcium voltage-gated channel subunit alpha1 S; minus strand). Cytogenetic location: 1q32.1.
Variant type: single nucleotide variant.
Coding change: c.3256-14T>C on transcript NM_000069.3 (MANE Select); 14 bases into the intron before coding-DNA position 3256, T replaced by C.
Molecular consequence: intron variant.
Genome position (GRCh38, 1-based): chr1:201,060,830, A>G on the plus strand (T>C on the coding strand, the complement: CACNA1S is on the minus strand). VCF-style: chr1-201060830-A-G. GRCh37 (hg19) VCF-style: chr1-201029958-A-G.
Identifiers: ClinVar variation 3072671 (VCV003072671.3), dbSNP rs1379262134, ClinGen allele CA528536602.